The following is an entry in ClinVar:

ClinVar aggregate classification (germline): Uncertain significance (1 of 4 stars; one submission).

Allele frequency attached by ClinVar (database versions not stated): ExAC 0.00003; gnomAD 0.00009; TOPMed 0.00017.
gnomAD v4.1: 128 of 1,613,418 alleles (0.0079%); highest among the groups gnomAD compares: Admixed American, 0.012%; no homozygotes.

Submission:

Labcorp Genetics (formerly Invitae), Labcorp
Classification: Uncertain significance. Last evaluated: 2022-06-14. Review status: criteria provided, single submitter. Criteria: Invitae Variant Classification Sherloc (09022015). Collection method: clinical testing. Allele origin: germline.
Comment: This sequence change replaces serine, which is neutral and polar, with asparagine, which is neutral and polar, at codon 151 of the RSPO2 protein (p.Ser151Asn). This variant is present in population databases (rs543739350, gnomAD 0.01%). This variant has not been reported in the literature in individuals affected with RSPO2-related conditions. Algorithms developed to predict the effect of missense changes on protein structure and function (SIFT, PolyPhen-2, Align-GVGD) all suggest that this variant is likely to be disruptive. In summary, the available evidence is currently insufficient to determine the role of this variant in disease. Therefore, it has been classified as a Variant of Uncertain Significance.

NM_178565.5(RSPO2):c.452G>A (p.Ser151Asn)

Gene: RSPO2 (R-spondin 2; minus strand). Cytogenetic location: 8q23.1.
Variant type: single nucleotide variant.
Coding change: c.452G>A on transcript NM_178565.5 (MANE Select); coding-DNA position 452, G replaced by A.
Protein change: p.Ser151Asn; replaces serine 151 with asparagine.
Molecular consequence: missense variant.
Genome position (GRCh38, 1-based): chr8:107,958,244, C>T on the plus strand (G>A on the coding strand, the complement: RSPO2 is on the minus strand). VCF-style: chr8-107958244-C-T. GRCh37 (hg19) VCF-style: chr8-108970472-C-T.
Other names: c.260G>A, p.Ser87Asn (NM_001282863.2); c.251G>A, p.Ser84Asn (NM_001317942.2); short protein forms S151N, S84N, S87N.
Identifiers: ClinVar variation 2197910 (VCV002197910.1), dbSNP rs543739350, ClinGen allele CA4841568.